The following is an entry in ClinVar:

NM_014264.5(PLK4):c.1350_1353del (p.Asn450fs)

Gene: PLK4 (polo like kinase 4; plus strand). Cytogenetic location: 4q28.1.
Variant type: Deletion.
Coding change: c.1350_1353del on transcript NM_014264.5 (MANE Select); coding-DNA positions 1350 to 1353, 4 bases deleted (TCAA; older notation c.1350_1353delTCAA).
Protein change: p.Asn450fs; shifts the reading frame from asparagine 450.
Molecular consequence: frameshift variant.
Genome position (GRCh38, 1-based): chr4:127,886,720-127,886,723, TCAA deleted; deleting any 4 consecutive bases within chr4:127,886,717-127,886,723 gives the same sequence; the c. name uses the placement nearest the transcript's 3' end. VCF-style (leftmost placement, unchanged base first): chr4-127886716-ACAAT-A. GRCh37 (hg19) VCF-style: chr4-128807871-ACAAT-A.
Other names: c.1254_1257del, p.Asn418fs (NM_001190799.2); c.1227_1230del, p.Asn409fs (NM_001190801.2); short protein forms N450fs, N409fs, N418fs.
Identifiers: ClinVar variation 2147689 (VCV002147689.6), dbSNP rs781121267, ClinGen allele CA3076728.
Genomic context (GRCh38, chr4:127,886,716, plus strand): 5'-TTTTTAACTTCTTTAAAGAAAAGACATCCAGTAGTTCTGGATCTTTTGAAAGACCTGATA[ACAAT>A]CAAGCACTGTAAGAATAATTCTATCAGAGGCATTTTGTTTTTTGGTAACATTATACTAGT-3'

ClinVar aggregate classification (germline): Pathogenic/Likely pathogenic. Review status: criteria provided, multiple submitters, no conflicts (2 of 4 stars). 2 submissions from 2 submitters: Pathogenic (1); Likely pathogenic (1). Last evaluated 2025-12-29.

Submissions (2):

Labcorp Genetics (formerly Invitae), Labcorp
Classification: Pathogenic. Last evaluated: 2025-12-29. Review status: criteria provided, single submitter. Criteria: Invitae Variant Classification Sherloc (09022015). Collection method: clinical testing. Allele origin: germline.
Comment: This sequence change creates a premature translational stop signal (p.Asn450Lysfs*35) in the PLK4 gene. It is expected to result in an absent or disrupted protein product. Loss-of-function variants in PLK4 are known to be pathogenic (PMID: 25320347, 30842647). This variant is present in population databases (rs781121267, gnomAD 0.007%). This variant has not been reported in the literature in individuals affected with PLK4-related conditions. ClinVar contains an entry for this variant (Variation ID: 2147689). For these reasons, this variant has been classified as Pathogenic.

Dasa
Classification: Likely pathogenic. Last evaluated: 2024-12-30. Review status: criteria provided, single submitter. Criteria: DASA Assertion Criteria. Collection method: clinical testing. Allele origin: germline.
Comment: NM_014264.5(PLK4):c.1350_1353del (p.Asn450Lysfs*35) is a frameshift variant in PLK4 predicted to alter the reading frame and introduce a premature termination codon and is predicted to result in an absent or altered protein product. Loss of function is an established disease mechanism for PLK4-associated disorders. Also, this variant is rare in population databases. Based on the currently available evidence, this variant is classified as likely pathogenic.

Literature cited by the submitters: PubMed 25320347 (cited by Labcorp Genetics (formerly Invitae), Labcorp); PubMed 30842647 (cited by Labcorp Genetics (formerly Invitae), Labcorp).